The following is an entry in ClinVar:

NM_006567.5(FARS2):c.821_824del (p.Ser274fs)

Gene: FARS2 (phenylalanyl-tRNA synthetase 2, mitochondrial; plus strand). Cytogenetic location: 6p25.1.
Variant type: Microsatellite.
Coding change: c.821_824del on transcript NM_006567.5 (MANE Select); coding-DNA positions 821 to 824, 4 bases deleted (CCTT; older notation c.821_824delCCTT).
Protein change: p.Ser274fs; shifts the reading frame from serine 274.
Molecular consequence: frameshift variant. On other transcripts: intron variant (1).
Genome position (GRCh38, 1-based): chr6:5,431,089-5,431,092, CCTT deleted; deleting any 4 consecutive bases within chr6:5,431,084-5,431,092 gives the same sequence; the c. name uses the placement nearest the transcript's 3' end. VCF-style (leftmost placement, unchanged base first): chr6-5431083-ATCCT-A. GRCh37 (hg19) VCF-style: chr6-5431316-ATCCT-A.
Other names: c.821_824del, p.Ser274fs (NM_001318872.2, NM_001374875.1, NM_001374876.1 and 4 more transcripts); c.125_128del, p.Ser42fs (NM_001375259.1, NM_001375260.1); c.772+26388_772+26391del (NM_001375258.1); short protein forms S274fs, S42fs.
Identifiers: ClinVar variation 1710020 (VCV001710020.2), dbSNP rs2535236134, ClinGen allele CA2578521549.

ClinVar aggregate classification (germline): Likely pathogenic (1 of 4 stars; one submission).

Conditions:
Combined oxidative phosphorylation defect type 14. Also called: Combined oxidative phosphorylation deficiency 14. Identifiers: Orphanet 319519, MedGen C4755312, MONDO:0013986, OMIM 614946.

Submission:

MGZ Medical Genetics Center
Classification: Likely pathogenic for Combined oxidative phosphorylation defect type 14. Last evaluated: 2021-10-14. Review status: criteria provided, single submitter. Criteria: ACMG Guidelines, 2015. Collection method: clinical testing. Allele origin: germline. Affected: yes. Observed: 1 variant allele.
Comment: ACMG criteria applied: PVS1, PM2_SUP